The following is an entry in ClinVar:

ClinVar aggregate classification (germline): Uncertain significance. Review status: criteria provided, multiple submitters, no conflicts (2 of 4 stars). 5 submissions from 5 submitters: Uncertain significance (5). Last evaluated 2026-01-31.

Conditions:
Autosomal recessive limb-girdle muscular dystrophy type 2L (LGMDR12). Also called: Limb-girdle muscular dystrophy, type 2L; Limb-Girdle Muscular Dystrophy R12 Anoctamin-5-Related (LGMD-R12); MUSCULAR DYSTROPHY, LIMB-GIRDLE, AUTOSOMAL RECESSIVE 12. Identifiers: Orphanet 206549, MedGen C1969785, MONDO:0012652, OMIM 611307.
Gnathodiaphyseal dysplasia (GDD). Also called: GNATHODIAPHYSEAL SCLEROSIS; OSTEOGENESIS IMPERFECTA WITH UNUSUAL SKELETAL LESIONS. Identifiers: Orphanet 53697, MedGen C1833736, MONDO:0008151, OMIM 166260.

Allele frequency attached by ClinVar (database versions not stated): gnomAD exomes 0.00001 and 0.00003; ExAC 0.00002; gnomAD 0.00004 and 0.00005; TOPMed 0.00009; 1000 Genomes Project 0.00040; 1000 Genomes Project 30x 0.00047.
gnomAD v4.1: 18 of 1,604,212 alleles (0.0011%); highest among the groups gnomAD compares: Admixed American, 0.03%; no homozygotes.

Submissions (5):

Labcorp Genetics (formerly Invitae), Labcorp
Classification: Uncertain significance for Autosomal recessive limb-girdle muscular dystrophy type 2L; Gnathodiaphyseal dysplasia. Last evaluated: 2026-01-31. Review status: criteria provided, single submitter. Criteria: Invitae Variant Classification Sherloc (09022015). Collection method: clinical testing. Allele origin: germline.
Comment: This sequence change replaces tyrosine, which is neutral and polar, with cysteine, which is neutral and slightly polar, at codon 218 of the ANO5 protein (p.Tyr218Cys). This variant is present in population databases (rs548449293, gnomAD 0.02%). This missense change has been observed in individual(s) with clinical features of autosomal recessive ANO5-related conditions and/or hyperCKemia and limb–girdle muscular weakness (PMID: 32367299, 39678382; internal data). In at least one individual the data is consistent with being in trans (on the opposite chromosome) from a pathogenic variant. ClinVar contains an entry for this variant (Variation ID: 290329). Invitae Evidence Modeling of protein sequence and biophysical properties (such as structural, functional, and spatial information, amino acid conservation, physicochemical variation, residue mobility, and thermodynamic stability) has been performed for this missense variant. However, the output from this modeling did not meet the statistical confidence thresholds required to predict the impact of this variant on ANO5 protein function. In summary, the available evidence is currently insufficient to determine the role of this variant in disease. Therefore, it has been classified as a Variant of Uncertain Significance.

Revvity Omics, Revvity
Classification: Uncertain significance. Last evaluated: 2024-08-07. Review status: criteria provided, single submitter. Criteria: ACMG Guidelines, 2015. Collection method: clinical testing. Allele origin: germline.

Eurofins Ntd Llc (ga)
Classification: Uncertain significance. Last evaluated: 2018-02-23. Review status: criteria provided, single submitter. Criteria: EGL ClinVar v180209 classification definitions. Collection method: clinical testing. Allele origin: germline. Observed: 3 variant alleles, 3 heterozygotes.

Athena Diagnostics
Classification: Uncertain significance. Last evaluated: 2017-02-09. Review status: criteria provided, single submitter. Criteria: Athena Diagnostics Criteria. Collection method: clinical testing. Allele origin: germline.

Breakthrough Genomics
Classification: Uncertain significance. Review status: criteria provided, single submitter. Criteria: ACMG Guidelines, 2015. Collection method: not provided. Allele origin: germline. Inheritance: Autosomal recessive inheritance. Affected: yes.

Literature cited by the submitters: PubMed 32367299 (cited by Labcorp Genetics (formerly Invitae), Labcorp); PubMed 39678382 (cited by Labcorp Genetics (formerly Invitae), Labcorp).

NM_213599.3(ANO5):c.653A>G (p.Tyr218Cys)

Gene: ANO5 (anoctamin 5; plus strand). Cytogenetic location: 11p14.3.
Variant type: single nucleotide variant.
Coding change: c.653A>G on transcript NM_213599.3 (MANE Select); coding-DNA position 653, A replaced by G.
Protein change: p.Tyr218Cys; replaces tyrosine 218 with cysteine.
Molecular consequence: missense variant.
Genome position (GRCh38, 1-based): chr11:22,236,167, A>G. VCF-style: chr11-22236167-A-G. GRCh37 (hg19) VCF-style: chr11-22257713-A-G.
Other names: c.650A>G, p.Tyr217Cys (NM_001142649.2); short protein forms Y218C, Y217C.
Identifiers: ClinVar variation 290329 (VCV000290329.18), dbSNP rs548449293, ClinGen allele CA5922985.